The following is an entry in ClinVar:

ClinVar aggregate classification (germline): Benign. Review status: criteria provided, single submitter (1 of 4 stars). 2 submissions from 2 submitters: Benign (1). 1 of the submissions does not count toward it. Last evaluated 2019-12-31.

Allele frequency attached by ClinVar (database versions not stated): TOPMed 0.00316; 1000 Genomes Project 30x 0.00344; 1000 Genomes Project 0.00379.
gnomAD v4.1: 1,503 of 1,612,508 alleles (0.093%); highest among the groups gnomAD compares: East Asian, 2.5%; 16 homozygotes.

Submissions (2):

Labcorp Genetics (formerly Invitae), Labcorp
Classification: Benign. Last evaluated: 2019-12-31. Review status: criteria provided, single submitter. Criteria: Invitae Variant Classification Sherloc (09022015). Collection method: clinical testing. Allele origin: germline.

Genetic Services Laboratory, University of Chicago
Classification: Likely benign for AllHighlyPenetrant. Review status: no assertion criteria provided. Collection method: clinical testing. Allele origin: germline. Inheritance: Autosomal dominant inheritance. Not counted in ClinVar's aggregate classification.
Comment: Likely benign based on allele frequency in 1000 Genomes Project or ESP global frequency and its presence in a patient with a rare or unrelated disease phenotype. NOT Sanger confirmed.

NM_004933.3(CDH15):c.2353G>A (p.Gly785Arg)

Gene: CDH15 (cadherin 15; plus strand). Cytogenetic location: 16q24.3.
Variant type: single nucleotide variant.
Coding change: c.2353G>A on transcript NM_004933.3 (MANE Select); coding-DNA position 2353, G replaced by A.
Protein change: p.Gly785Arg; replaces glycine 785 with arginine.
Molecular consequence: missense variant.
Genome position (GRCh38, 1-based): chr16:89,195,063, G>A. VCF-style: chr16-89195063-G-A. GRCh37 (hg19) VCF-style: chr16-89261471-G-A.
Other names: short protein forms G785R.
Identifiers: ClinVar variation 128649 (VCV000128649.10), dbSNP rs149307887, ClinGen allele CA152238.